The following is an entry in ClinVar:

NM_014239.4(EIF2B2):c.42del (p.Ile15fs)

Gene: EIF2B2 (eukaryotic translation initiation factor 2B subunit beta; plus strand). Cytogenetic location: 14q24.3.
Variant type: Deletion.
Coding change: c.42del on transcript NM_014239.4 (MANE Select); coding-DNA position 42, one base deleted (G; older notation c.42delG).
Protein change: p.Ile15fs; shifts the reading frame from isoleucine 15.
Molecular consequence: frameshift variant.
Genome position (GRCh38, 1-based): chr14:75,003,032, G deleted; the last of 2 consecutive G bases (chr14:75,003,031-75,003,032); deleting either gives the same sequence. VCF-style (leftmost placement, unchanged base first): chr14-75003030-AG-A. GRCh37 (hg19) VCF-style: chr14-75469733-AG-A.
Other names: short protein forms I15fs.
Identifiers: ClinVar variation 984939 (VCV000984939.1), dbSNP rs1889561523, ClinGen allele CA1139663553.

ClinVar aggregate classification (germline): Pathogenic (1 of 4 stars; one submission).

Conditions:
Vanishing white matter disease. Also called: Childhood ataxia with diffuse central nervous system hypomyelination; Leukoencephalopathy with vanishing white matter; CACH/VWM syndrome; Cree leukoencehalopathy; CACH syndrome. Identifiers: Orphanet 135, Orphanet 99853, MedGen C1858991, MONDO:0800448.

Submission:

Rady Children's Institute for Genomic Medicine, Rady Children's Hospital San Diego
Classification: Pathogenic for Leukoencephalopathy with vanishing white matter. Last evaluated: 2020-02-20. Review status: criteria provided, single submitter. Criteria: ACMG Guidelines, 2015. Collection method: clinical testing. Allele origin: germline. Affected: yes.
Comment: This frameshifting variant in exon 1 of 8 introduces a premature stop codon and is therefore predicted to result in loss of normal protein function. This variant has not been previously reported or functionally characterized in the literature to our knowledge. It is absent from the ExAC and gnomAD population databases and thus is presumed to be rare. Based on the available evidence, the c.42del (p.Ile15SerfsTer8) variant is classified as Pathogenic.